The following is an entry in ClinVar:

NM_014467.3(SRPX2):c.329G>A (p.Arg110His)

Gene: SRPX2 (sushi repeat containing protein X-linked 2; plus strand). Cytogenetic location: Xq22.1.
Variant type: single nucleotide variant.
Coding change: c.329G>A on transcript NM_014467.3 (MANE Select); coding-DNA position 329, G replaced by A.
Protein change: p.Arg110His; replaces arginine 110 with histidine.
Molecular consequence: missense variant.
Genome position (GRCh38, 1-based): chrX:100,662,341, G>A. VCF-style: chrX-100662341-G-A. GRCh37 (hg19) VCF-style: chrX-99917338-G-A.
Other names: short protein forms R110H.
Identifiers: ClinVar variation 465069 (VCV000465069.9), dbSNP rs1176341753, ClinGen allele CA413931354.

ClinVar aggregate classification (germline): Uncertain significance (1 of 4 stars; one submission).

Conditions:
Rolandic epilepsy, impaired intellectual development, and speech dyspraxia, X-linked. Also called: Rolandic epilepsy, intellectual disability, and speech dyspraxia, X-linked; Rolandic epilepsy, impaired intellectual development, and speech dyspraxia. Identifiers: MedGen C1845070, MONDO:0010388, OMIM 300643.

Allele frequency attached by ClinVar (database versions not stated): gnomAD exomes 0.00001 and 0.00002; gnomAD 0.00002 and 0.00001; TOPMed 0.00002.
gnomAD v4.1: 11 of 1,210,138 alleles (0.00091%); highest among the groups gnomAD compares: East Asian, 0.003%; no homozygotes.

Submission:

Labcorp Genetics (formerly Invitae), Labcorp
Classification: Uncertain significance for Rolandic epilepsy, impaired intellectual development, and speech dyspraxia, X-linked. Last evaluated: 2017-07-10. Review status: criteria provided, single submitter. Criteria: Invitae Variant Classification Sherloc (09022015). Collection method: clinical testing. Allele origin: germline.
Comment: This variant is not present in population databases (ExAC no frequency). This sequence change replaces arginine with histidine at codon 110 of the SRPX2 protein (p.Arg110His). The arginine residue is highly conserved and there is a small physicochemical difference between arginine and histidine. This variant has not been reported in the literature in individuals with SRPX2-related disease. In summary, the available evidence is currently insufficient to determine the role of this variant in disease. Therefore, it has been classified as a Variant of Uncertain Significance. Algorithms developed to predict the effect of missense changes on protein structure and function output the following: SIFT: "Tolerated"; PolyPhen-2: "Benign"; Align-GVGD: "Class C0". The histidine amino acid residue is found in multiple mammalian species, suggesting that this missense change does not adversely affect protein function. These predictions have not been confirmed by published functional studies and their clinical significance is uncertain.